The following is an entry in ClinVar:

NM_194248.3(OTOF):c.4885dup (p.His1629fs)

Gene: OTOF (otoferlin; minus strand). Cytogenetic location: 2p23.3.
Variant type: Duplication.
Coding change: c.4885dup on transcript NM_194248.3 (MANE Select); coding-DNA position 4885, one base duplicated (C; older notation c.4885dupC).
Protein change: p.His1629fs; shifts the reading frame from histidine 1629.
Molecular consequence: frameshift variant.
Genome position (GRCh38, 1-based): chr2:26,464,944, G duplicated on the plus strand (C on the coding strand, the reverse complement: OTOF is on the minus strand); the first of 5 consecutive G bases (chr2:26,464,944-26,464,948); duplicating any one gives the same sequence. VCF-style (leftmost placement, unchanged base first): chr2-26464943-T-TG. GRCh37 (hg19) VCF-style: chr2-26687811-T-TG.
Other names: c.4885dup, p.His1629fs (NM_001287489.2); c.2584dup, p.His862fs (NM_004802.4, NM_194323.3); c.2815dup, p.His939fs (NM_194322.3); short protein forms H1629fs, H862fs, H939fs.
Identifiers: ClinVar variation 4879913 (VCV004879913.1).

ClinVar aggregate classification (germline): Pathogenic (0 of 4 stars; one submission).

Conditions:
Autosomal recessive nonsyndromic hearing loss 9. Also called: NEUROSENSORY NONSYNDROMIC RECESSIVE DEAFNESS 9; OTOF-Related Hearing Loss; Deafness, autosomal recessive 9; AUDITORY NEUROPATHY, AUTOSOMAL RECESSIVE, 1, TEMPERATURE-SENSITIVE. Identifiers: Orphanet 90636, MedGen C1832828, MONDO:0010986, OMIM 601071.

Submission:

Diagnosis and Treatment Center of Genetic Hearing Loss, Eye & ENT Hospital of Fudan University
Classification: Pathogenic for Autosomal recessive nonsyndromic hearing loss 9. Last evaluated: 2026-02-04. Review status: no assertion criteria provided. Collection method: clinical testing. Allele origin: germline. Inheritance: Autosomal recessive inheritance. Affected: yes.
Comment: The c.4885dup frameshift variant in OTOF leads to a premature stop codon and predicted NMD (PVS1). It is absent from population databases (PM2_Supporting). It was found in trans with pathogenic c.1273C>T (PM3).